The following is an entry in ClinVar:

ClinVar aggregate classification (germline): Likely benign (1 of 4 stars; one submission).

Conditions:
ABCC12-related condition.

gnomAD v4.1: 199 of 1,613,882 alleles (0.012%); highest among the groups gnomAD compares: African/African-American, 0.25%; 1 homozygote.

Submission:

PreventionGenetics, part of Exact Sciences
Classification: Likely benign for ABCC12-related condition. Last evaluated: 2026-05-10. Review status: criteria provided, single submitter. Criteria: ACMG Guidelines, 2015. Collection method: clinical testing. Allele origin: germline.
Comment: This variant is classified as likely benign based on ACMG/AMP sequence variant interpretation guidelines (Richards et al. 2015 PMID: 25741868, with internal and published modifications).

NM_001393797.1(ABCC12):c.788C>G (p.Ala263Gly)

Gene: ABCC12 (ATP binding cassette subfamily C member 12; minus strand). Cytogenetic location: 16q12.1.
Variant type: single nucleotide variant.
Coding change: c.788C>G on transcript NM_001393797.1 (MANE Select); coding-DNA position 788, C replaced by G.
Protein change: p.Ala263Gly; replaces alanine 263 with glycine.
Molecular consequence: missense variant. On other transcripts: non-coding transcript variant (5).
Genome position (GRCh38, 1-based): chr16:48,139,206, G>C on the plus strand (C>G on the coding strand, the complement: ABCC12 is on the minus strand). VCF-style: chr16-48139206-G-C. GRCh37 (hg19) VCF-style: chr16-48173117-G-C.
Other names: c.788C>G, p.Ala263Gly (NM_001392028.1, NM_033226.3); short protein forms A263G.
Identifiers: ClinVar variation 4980340 (VCV004980340.1).